The following is an entry in ClinVar:

ClinVar aggregate classification (germline): Benign. Review status: criteria provided, multiple submitters, no conflicts (2 of 4 stars). 4 submissions from 4 submitters: Benign (3). 1 of the submissions does not count toward it. Last evaluated 2026-02-03.

Conditions:
Spinocerebellar ataxia 45. Identifiers: Orphanet 589527, MedGen C4540400, MONDO:0033480, OMIM 617769.
FAT2-related disorder. Also called: FAT2-related condition.

Allele frequency attached by ClinVar (database versions not stated): 1000 Genomes Project 30x 0.41943; ExAC 0.46733; gnomAD 0.48459 and 0.48913; 1000 Genomes Project 0.41793; gnomAD exomes 0.46553 and 0.50541; ESP Exome Variant Server 0.49493; TOPMed 0.47494.
gnomAD v4.1: 812,272 of 1,613,572 alleles (50%); highest among the groups gnomAD compares: Non-Finnish European, 53%; 207,845 homozygotes.

Submissions (4):

Labcorp Genetics (formerly Invitae), Labcorp
Classification: Benign. Last evaluated: 2026-02-03. Review status: criteria provided, single submitter. Criteria: Invitae Variant Classification Sherloc (09022015). Collection method: clinical testing. Allele origin: germline.

Genome-Nilou Lab
Classification: Benign for Spinocerebellar ataxia 45. Last evaluated: 2021-08-10. Review status: criteria provided, single submitter. Criteria: ACMG Guidelines, 2015. Collection method: clinical testing. Allele origin: germline. Affected: no.

GeneDx
Classification: Benign. Last evaluated: 2021-05-04. Review status: criteria provided, single submitter. Criteria: GeneDx Variant Classification Process June 2021. Collection method: clinical testing. Allele origin: germline. Affected: yes.

PreventionGenetics, part of Exact Sciences
Classification: Benign for FAT2-related condition. Last evaluated: 2019-07-08. Review status: no assertion criteria provided. Collection method: clinical testing. Allele origin: germline. Not counted in ClinVar's aggregate classification.
Comment: This variant is classified as benign based on ACMG/AMP sequence variant interpretation guidelines (Richards et al. 2015 PMID: 25741868, with internal and published modifications).

NM_001447.3(FAT2):c.1720C>T (p.Arg574Cys)

Gene: FAT2 (FAT atypical cadherin 2; minus strand). Cytogenetic location: 5q33.1.
Variant type: single nucleotide variant.
Coding change: c.1720C>T on transcript NM_001447.3 (MANE Select); coding-DNA position 1720, C replaced by T.
Protein change: p.Arg574Cys; replaces arginine 574 with cysteine.
Molecular consequence: missense variant.
Genome position (GRCh38, 1-based): chr5:151,567,212, G>A on the plus strand (C>T on the coding strand, the complement: FAT2 is on the minus strand). VCF-style: chr5-151567212-G-A. GRCh37 (hg19) VCF-style: chr5-150946773-G-A.
Other names: short protein forms R574C.
Identifiers: ClinVar variation 1249058 (VCV001249058.10), dbSNP rs1432862, ClinGen allele CA3522204.
Genomic context (GRCh38, chr5:151,567,212, plus strand): 5'-GCTCATCCACATCTATGGCTGACATAGTCATTATCGATTTCCCTACTGGCCAGTCTTGGC[G>A]GATAGACCCTGTACAGTTGACTTCTTCAAACATAGGCTGGTTGTCATTCAAGTTCCTGAG-3'
Protein context (NP_001438.1, residues 564-584): FEEVNCTGSI[Arg574Cys]QDWPVGKSIM